The following is an entry in ClinVar:

ClinVar aggregate classification (germline): Likely pathogenic (1 of 4 stars; one submission).

Conditions:
Duchenne muscular dystrophy (DMD). Also called: MUSCULAR DYSTROPHY, PSEUDOHYPERTROPHIC PROGRESSIVE, DUCHENNE TYPE; Duchenne Muscular Dystrophy (DMD). Identifiers: Orphanet 98896, MedGen C0013264, MONDO:0010679, OMIM 310200.

Submission:

Laboratory of Medical Genetics, National & Kapodistrian University of Athens
Classification: Likely pathogenic for Duchenne muscular dystrophy. Last evaluated: 2022-12-16. Review status: criteria provided, single submitter. Criteria: ACMG Guidelines, 2015. Collection method: clinical testing. Allele origin: germline. Affected: yes.
Comment: PVS1, PM2

NM_004006.3(DMD):c.3149del (p.Leu1050fs)

Gene: DMD (dystrophin; minus strand). Cytogenetic location: Xp21.1.
Variant type: Deletion.
Coding change: c.3149del on transcript NM_004006.3 (MANE Select); coding-DNA position 3149, one base deleted (T; older notation c.3149delT).
Protein change: p.Leu1050fs; shifts the reading frame from leucine 1050.
Molecular consequence: frameshift variant.
Genome position (GRCh38, 1-based): chrX:32,468,511, A deleted on the plus strand (T on the coding strand, the reverse complement: DMD is on the minus strand). VCF-style (leftmost placement, unchanged base first): chrX-32468510-GA-G. GRCh37 (hg19) VCF-style: chrX-32486627-GA-G.
Other names: c.3125del, p.Leu1042fs (NM_000109.4); c.3137del, p.Leu1046fs (NM_004009.3); c.2780del, p.Leu927fs (NM_004010.3); short protein forms L1042fs, L1046fs, L1050fs, L927fs.
Identifiers: ClinVar variation 1806412 (VCV001806412.1), dbSNP rs2524610786, ClinGen allele CA2580100737.